The following is an entry in ClinVar:

NM_007294.4(BRCA1):c.3263T>G (p.Val1088Gly)

Genes: BRCA1 (BRCA1 DNA repair associated; minus strand), LOC126862571 (BRD4-independent group 4 enhancer GRCh37_chr17:41243136-41244335; plus strand). Cytogenetic location: 17q21.31.
Variant type: single nucleotide variant.
Coding change: c.3263T>G on transcript NM_007294.4 (MANE Select); coding-DNA position 3263, T replaced by G.
Protein change: p.Val1088Gly; replaces valine 1088 with glycine.
Molecular consequence: missense variant. On other transcripts: intron variant (137).
Genome position (GRCh38, 1-based): chr17:43,092,268, A>C on the plus strand (T>G on the coding strand, the complement: BRCA1 is on the minus strand). VCF-style: chr17-43092268-A-C. GRCh37 (hg19) VCF-style: chr17-41244285-A-C.
Other names: c.3050T>G, p.Val1017Gly (NM_001407571.1, NM_001407853.1, NM_001407894.1 and 9 more transcripts); c.3263T>G, p.Val1088Gly (NM_001407581.1, NM_001407582.1, NM_001407583.1 and 30 more transcripts); c.3260T>G, p.Val1087Gly (NM_001407587.1, NM_001407590.1, NM_001407591.1 and 22 more transcripts); c.3254T>G, p.Val1085Gly (NM_001407646.1, NM_001407647.1); c.3140T>G, p.Val1047Gly (NM_001407648.1, NM_001407664.1, NM_001407665.1 and 19 more transcripts); c.3137T>G, p.Val1046Gly (NM_001407649.1, NM_001407670.1, NM_001407671.1 and 11 more transcripts); c.3185T>G, p.Val1062Gly (NM_001407653.1, NM_001407654.1, NM_001407655.1 and 4 more transcripts); c.3182T>G, p.Val1061Gly (NM_001407659.1, NM_001407660.1, NM_001407661.1 and 1 more transcripts); and 41 more; short protein forms V792G, V1021G, V1040G, V999G, V1017G, V1020G, V1046G, V1047G.
Identifiers: ClinVar variation 1729563 (VCV001729563.5), dbSNP rs80356901, ClinGen allele CA10595459.
Genomic context (GRCh38, chr17:43,092,268, plus strand): 5'-ATTTCAGGATGCTTACAATTACTTCCAGGAAGACTTTGTTTATAGACCTCAGGTTGCAAA[A>C]CCCCTAATCTAAGCATAGCATTCAATTTTGGCCCTCTGTTTCTACCTAGTTCTGCTTGAA-3'
Protein context (NP_009225.1, residues 1078-1098): PKLNAMLRLG[Val1088Gly]LQPEVYKQSL

ClinVar aggregate classification (germline): Conflicting classifications of pathogenicity. Review status: criteria provided, conflicting classifications (1 of 4 stars). 3 submissions from 3 submitters: Uncertain significance (2); Likely benign (1). Last evaluated 2023-11-30.

Conditions:
Hereditary cancer-predisposing syndrome. Also called: Neoplastic Syndromes, Hereditary; Tumor predisposition; Hereditary neoplastic syndrome; Hereditary Cancer Syndrome. Identifiers: Orphanet 140162, MedGen C0027672, MeSH D009386, MONDO:0015356.
Breast-ovarian cancer, familial, susceptibility to, 1 (BROVCA1). Also called: OVARIAN CANCER, SUSCEPTIBILITY TO; BRCA1 Hereditary Breast and Ovarian Cancer. Identifiers: Orphanet 145, MedGen C2676676, MONDO:0011450, OMIM 604370. Disease mechanism: loss of function.

Submissions (3):

All of Us Research Program, National Institutes of Health
Classification: Uncertain significance for Breast-ovarian cancer, familial, susceptibility to, 1. Last evaluated: 2023-11-30. Review status: criteria provided, single submitter. Criteria: ACMG Guidelines, 2015. Collection method: clinical testing. Allele origin: germline. Inheritance: Autosomal dominant inheritance. Observed: 1 variant allele, 1 heterozygote.
Comment: This study involves interpretation of variants in research participants for the purpose of population health screening. Participant phenotype was not available at the time of variant classification. Additional details can be found in publication PMID: 35346344, PMCID: PMC8962531

University of Washington Department of Laboratory Medicine, University of Washington
Classification: Likely benign for Hereditary cancer-predisposing syndrome. Last evaluated: 2023-03-23. Review status: criteria provided, single submitter. Criteria: Dines et al. (Genet Med. 2020). Collection method: curation. Allele origin: germline.
Comment: Missense variant in a coldspot region where missense variants are very unlikely to be pathogenic (PMID:31911673).

BRCA1 coldspot (exon 11 using historical exon numbering). Reclassification based on statistical prior probability

Ambry Genetics
Classification: Uncertain significance for Hereditary cancer-predisposing syndrome. Last evaluated: 2022-05-22. Review status: criteria provided, single submitter. Criteria: Ambry Variant Classification Scheme 2023. Collection method: clinical testing. Allele origin: germline.
Comment: The p.V1088G variant (also known as c.3263T>G), located in coding exon 9 of the BRCA1 gene, results from a T to G substitution at nucleotide position 3263. The valine at codon 1088 is replaced by glycine, an amino acid with dissimilar properties. This amino acid position is conserved. In addition, the in silico prediction for this alteration is inconclusive. Since supporting evidence is limited at this time, the clinical significance of this alteration remains unclear.